The following is an entry in ClinVar:

NM_000642.3(AGL):c.2365T>C (p.Tyr789His)

Gene: AGL (amylo-alpha-1,6-glucosidase and 4-alpha-glucanotransferase; plus strand). Cytogenetic location: 1p21.2.
Variant type: single nucleotide variant.
Coding change: c.2365T>C on transcript NM_000642.3 (MANE Select); coding-DNA position 2365, T replaced by C.
Protein change: p.Tyr789His; replaces tyrosine 789 with histidine.
Molecular consequence: missense variant.
Genome position (GRCh38, 1-based): chr1:99,884,176, T>C. VCF-style: chr1-99884176-T-C. GRCh37 (hg19) VCF-style: chr1-100349732-T-C.
Other names: c.2365T>C, p.Tyr789His (NM_000028.3, NM_000643.3, NM_000644.3 and 2 more transcripts); c.2317T>C, p.Tyr773His (NM_000646.3); c.2164T>C, p.Tyr722His (NM_001425327.1); c.2161T>C, p.Tyr721His (NM_001425328.1, NM_001425329.1); c.1987T>C, p.Tyr663His (NM_001425332.1); short protein forms Y773H, Y789H, Y663H, Y721H, Y722H.
Identifiers: ClinVar variation 1347778 (VCV001347778.8), dbSNP rs1652264808, ClinGen allele CA341320736.
Genomic context (GRCh38, chr1:99,884,176, plus strand): 5'-CTAGGCAAAATTGAAGAAGTAGTTCTTGAAGCTAGAACTATTGAGAGAAACACGAAACCT[T>C]ATAGGAAGGATGAGAATTCAATCAATGGAACACCAGATATCACAGTAGAAATTAGAGAAC-3'
Protein context (NP_000633.2, residues 779-799): ARTIERNTKP[Tyr789His]RKDENSINGT

ClinVar aggregate classification (germline): Uncertain significance (1 of 4 stars; one submission).

Conditions:
Glycogen storage disease type III (GSD3). Also called: Cori disease; FORBES DISEASE. Identifiers: Orphanet 366, MedGen C0017922, MONDO:0009291, OMIM 232400.

Allele frequency attached by ClinVar (database versions not stated): TOPMed below 0.00001.

Submission:

Labcorp Genetics (formerly Invitae), Labcorp
Classification: Uncertain significance for Glycogen storage disease type III. Last evaluated: 2023-12-11. Review status: criteria provided, single submitter. Criteria: Invitae Variant Classification Sherloc (09022015). Collection method: clinical testing. Allele origin: germline.
Comment: This sequence change replaces tyrosine, which is neutral and polar, with histidine, which is basic and polar, at codon 789 of the AGL protein (p.Tyr789His). This variant is not present in population databases (gnomAD no frequency). This variant has not been reported in the literature in individuals affected with AGL-related conditions. ClinVar contains an entry for this variant (Variation ID: 1347778). Advanced modeling of protein sequence and biophysical properties (such as structural, functional, and spatial information, amino acid conservation, physicochemical variation, residue mobility, and thermodynamic stability) performed at Invitae indicates that this missense variant is not expected to disrupt AGL protein function with a negative predictive value of 80%. In summary, the available evidence is currently insufficient to determine the role of this variant in disease. Therefore, it has been classified as a Variant of Uncertain Significance.